The following is an entry in ClinVar:

ClinVar aggregate classification (germline): Likely benign (1 of 4 stars; one submission).

Conditions:
NRP2-related disorder. Also called: NRP2-related condition.

gnomAD v4.1: 8 of 1,613,966 alleles (0.0005%); highest among the groups gnomAD compares: African/African-American, 0.0027%; no homozygotes.

Submission:

PreventionGenetics, part of Exact Sciences
Classification: Likely benign for NRP2-related condition. Last evaluated: 2024-10-17. Review status: criteria provided, single submitter. Criteria: ACMG Guidelines, 2015. Collection method: clinical testing. Allele origin: germline.
Comment: This variant is classified as likely benign based on ACMG/AMP sequence variant interpretation guidelines (Richards et al. 2015 PMID: 25741868, with internal and published modifications).

NM_003872.3(NRP2):c.1809G>A (p.Thr603=)

Gene: NRP2 (neuropilin 2; plus strand). Cytogenetic location: 2q33.3.
Variant type: single nucleotide variant.
Coding change: c.1809G>A on transcript NM_003872.3 (MANE Select); coding-DNA position 1809, G replaced by A.
Protein change: p.Thr603=; no amino-acid change (threonine 603 retained).
Molecular consequence: synonymous variant.
Genome position (GRCh38, 1-based): chr2:205,749,747, G>A. VCF-style: chr2-205749747-G-A. GRCh37 (hg19) VCF-style: chr2-206614471-G-A.
Other names: c.1809G>A, p.Thr603= (NM_018534.4, NM_201266.2, NM_201267.2 and 1 more transcripts).
Identifiers: ClinVar variation 5000386 (VCV005000386.1).
Genomic context (GRCh38, chr2:205,749,747, plus strand): 5'-GCTACAGCATTCTCTTATCTTCCTTTGCCCTTACACAGACTCCAAGCCCACGGTAGAGAC[G>A]CTGGGACCCACTGTGAAGAGCGAAGAGACAACCACCCCCTACCCCACCGAAGAGGAGGCC-3'
Protein context (NP_003863.2, residues 593-613): DWTDSKPTVE[Thr603=]LGPTVKSEET